The following is an entry in ClinVar:

NM_006231.4(POLE):c.4004A>G (p.Gln1335Arg)

Gene: POLE (DNA polymerase epsilon, catalytic subunit; minus strand). Cytogenetic location: 12q24.33.
Variant type: single nucleotide variant.
Coding change: c.4004A>G on transcript NM_006231.4 (MANE Select); coding-DNA position 4004, A replaced by G.
Protein change: p.Gln1335Arg; replaces glutamine 1335 with arginine.
Molecular consequence: missense variant.
Genome position (GRCh38, 1-based): chr12:132,649,307, T>C on the plus strand (A>G on the coding strand, the complement: POLE is on the minus strand). VCF-style: chr12-132649307-T-C. GRCh37 (hg19) VCF-style: chr12-133225893-T-C.
Other names: short protein forms Q1335R.
Identifiers: ClinVar variation 3682120 (VCV003682120.2).
Genomic context (GRCh38, chr12:132,649,307, plus strand): 5'-CACCCCCTCCCTGGGCCATCAGCAGAGCCACTGCCCTCCCCTTGGATCAAGGTCTATACC[T>C]GCACAATCTGCCACGGAAGGTCCAGGATGCTGCGGGCAGTTCTTCGCAAGAAGCTCCCCA-3'
Protein context (NP_006222.2, residues 1325-1345): SILDLPWQIV[Gln1335Arg]ISETSQAGLF

ClinVar aggregate classification (germline): Uncertain significance (1 of 4 stars; one submission).

gnomAD v4.1: 1 of 1,613,404 alleles (0.000062%); highest among the groups gnomAD compares: South Asian, 0.0011%; no homozygotes.

Submission:

Labcorp Genetics (formerly Invitae), Labcorp
Classification: Uncertain significance. Last evaluated: 2024-06-10. Review status: criteria provided, single submitter. Criteria: Invitae Variant Classification Sherloc (09022015). Collection method: clinical testing. Allele origin: germline.
Comment: This sequence change replaces glutamine, which is neutral and polar, with arginine, which is basic and polar, at codon 1335 of the POLE protein (p.Gln1335Arg). This variant is not present in population databases (gnomAD no frequency). This variant has not been reported in the literature in individuals affected with POLE-related conditions. An algorithm developed to predict the effect of missense changes on protein structure and function (PolyPhen-2) suggests that this variant is likely to be disruptive. In summary, the available evidence is currently insufficient to determine the role of this variant in disease. Therefore, it has been classified as a Variant of Uncertain Significance.